The following is an entry in ClinVar:

NM_144666.3(DNHD1):c.10025G>A (p.Arg3342Gln)

Gene: DNHD1 (dynein heavy chain domain 1; plus strand). Cytogenetic location: 11p15.4.
Variant type: single nucleotide variant.
Coding change: c.10025G>A on transcript NM_144666.3 (MANE Select); coding-DNA position 10025, G replaced by A.
Protein change: p.Arg3342Gln; replaces arginine 3342 with glutamine.
Molecular consequence: missense variant.
Genome position (GRCh38, 1-based): chr11:6,563,865, G>A. VCF-style: chr11-6563865-G-A. GRCh37 (hg19) VCF-style: chr11-6585095-G-A.
Other names: short protein forms R3342Q.
Identifiers: ClinVar variation 2347945 (VCV002347945.6), dbSNP rs777567024, ClinGen allele CA5856469.

ClinVar aggregate classification (germline): Uncertain significance. Review status: criteria provided, multiple submitters, no conflicts (2 of 4 stars). 2 submissions from 2 submitters: Uncertain significance (2). Last evaluated 2025-06-12.

Conditions:
Spermatogenic failure 65 (SPGF65). Identifiers: MedGen C5562067, MONDO:0030531, OMIM 619712.

Allele frequency attached by ClinVar (database versions not stated): gnomAD 0.00003; gnomAD exomes 0.00003; ExAC 0.00010; TOPMed 0.00004.
gnomAD v4.1: 50 of 1,551,694 alleles (0.0032%); highest among the groups gnomAD compares: East Asian, 0.027%; no homozygotes.

Submissions (2):

Ambry Genetics
Classification: Uncertain significance. Last evaluated: 2025-06-12. Review status: criteria provided, single submitter. Criteria: Ambry Variant Classification Scheme 2023. Collection method: clinical testing. Allele origin: germline.

Juno Genomics, Hangzhou Juno Genomics, Inc
Classification: Uncertain significance for Spermatogenic failure 65. Review status: criteria provided, single submitter. Criteria: ACMG Guidelines, 2015. Collection method: clinical testing. Allele origin: germline. Affected: yes.
Comment: Absent from controls (or at extremely low frequency if recessive) in Genome Aggregation Database, Exome Sequencing Project, 1000 Genomes Project, or Exome Aggregation Consortium.;Missense variant in a gene that has a low rate of benign missense variation and where missense variants are a common mechanism of disease.